The following is an entry in ClinVar:

NM_014000.3(VCL):c.1301C>A (p.Ser434Tyr)

Gene: VCL (vinculin; plus strand). Cytogenetic location: 10q22.2.
Variant type: single nucleotide variant.
Coding change: c.1301C>A on transcript NM_014000.3 (MANE Select); coding-DNA position 1301, C replaced by A.
Protein change: p.Ser434Tyr; replaces serine 434 with tyrosine.
Molecular consequence: missense variant.
Genome position (GRCh38, 1-based): chr10:74,090,147, C>A. VCF-style: chr10-74090147-C-A. GRCh37 (hg19) VCF-style: chr10-75849905-C-A.
Other names: c.1301C>A, p.Ser434Tyr (NM_003373.4); short protein forms S434Y.
Identifiers: ClinVar variation 964868 (VCV000964868.7), dbSNP rs757541730, ClinGen allele CA5562969.

ClinVar aggregate classification (germline): Uncertain significance. Review status: criteria provided, multiple submitters, no conflicts (2 of 4 stars). 4 submissions from 4 submitters: Uncertain significance (4). Last evaluated 2026-05-06.

Conditions:
VCL-related disorder. Also called: VCL-related condition.
Dilated cardiomyopathy 1W (CMD1W). Identifiers: Orphanet 154, MedGen C1969639, MONDO:0012667, OMIM 611407.
Cardiovascular phenotype. Identifiers: MedGen CN230736.

Allele frequency attached by ClinVar (database versions not stated): ExAC 0.00001; gnomAD 0.00001; gnomAD exomes 0.00001 and 0.00002; TOPMed 0.00002.
gnomAD v4.1: 29 of 1,613,984 alleles (0.0018%); highest among the groups gnomAD compares: Middle Eastern, 0.033%; no homozygotes.

Submissions (4):

PreventionGenetics, part of Exact Sciences
Classification: Uncertain significance for VCL-related condition. Last evaluated: 2026-05-06. Review status: criteria provided, single submitter. Criteria: ACMG Guidelines, 2015. Collection method: clinical testing. Allele origin: germline.
Comment: The VCL c.1301C>A variant is predicted to result in the amino acid substitution p.Ser434Tyr. This variant has been reported in an individual with hypertrophic cardiomyopathy (Chockalingam et al. 2024. PubMed ID: 39009076). This variant has also been reported in a case of sudden unexplained death, and autopsy findings suggested mild left ventricular hypertrophy (Narula et al. 2015. PubMed ID: 25500949). This variant is reported in 0.0065% of alleles in individuals of South Asian descent in gnomAD. At this time, the clinical significance of this variant is uncertain due to the absence of conclusive functional and genetic evidence.

Labcorp Genetics (formerly Invitae), Labcorp
Classification: Uncertain significance for Dilated cardiomyopathy 1W. Last evaluated: 2025-12-31. Review status: criteria provided, single submitter. Criteria: Invitae Variant Classification Sherloc (09022015). Collection method: clinical testing. Allele origin: germline.
Comment: This sequence change replaces serine, which is neutral and polar, with tyrosine, which is neutral and polar, at codon 434 of the VCL protein (p.Ser434Tyr). This variant is present in population databases (rs757541730, gnomAD 0.006%). This missense change has been observed in individual(s) with sudden unexplained death (PMID: 25500949). ClinVar contains an entry for this variant (Variation ID: 964868). An algorithm developed to predict the effect of missense changes on protein structure and function (PolyPhen-2) suggests that this variant is likely to be disruptive. In summary, the available evidence is currently insufficient to determine the role of this variant in disease. Therefore, it has been classified as a Variant of Uncertain Significance.

Ambry Genetics
Classification: Uncertain significance for Cardiovascular phenotype. Last evaluated: 2025-08-20. Review status: criteria provided, single submitter. Criteria: Ambry Variant Classification Scheme 2023. Collection method: clinical testing. Allele origin: germline.
Comment: The p.S434Y variant (also known as c.1301C>A), located in coding exon 10 of the VCL gene, results from a C to A substitution at nucleotide position 1301. The serine at codon 434 is replaced by tyrosine, an amino acid with dissimilar properties. This amino acid position is highly conserved in available vertebrate species. In addition, the in silico prediction for this alteration is inconclusive. Based on the available evidence, the clinical significance of this variant remains unclear.

Breakthrough Genomics
Classification: Uncertain significance. Review status: criteria provided, single submitter. Criteria: ACMG Guidelines, 2015. Collection method: not provided. Allele origin: germline. Inheritance: Autosomal dominant inheritance. Affected: yes.

Literature cited by the submitters: PubMed 25500949 (cited by Labcorp Genetics (formerly Invitae), Labcorp and Ambry Genetics).